The following is an entry in ClinVar:

ClinVar aggregate classification (germline): Pathogenic (1 of 4 stars; one submission).

Submission:

ARUP Laboratories, Molecular Genetics and Genomics, ARUP Laboratories
Classification: Pathogenic. Last evaluated: 2024-03-01. Review status: criteria provided, single submitter. Criteria: ARUP Molecular Germline Variant Investigation Process 2024. Collection method: clinical testing. Allele origin: germline.
Comment: The Hb Malmo variant (HBB: c.294C>A; p.His98Gln, also known as His97Gln when numbered from the mature protein, rs34515413; HbVar ID: 444) is reported in the literature in multiple heterozygous individuals affected with erythrocytosis (Landin 1996, HbVar and references therein). Additionally, other variants at this codon (c.294C>G; p.His98Gln, Hb Malmo and c.293A>T; p.His98Leu, Hb Wood) have been reported in individuals with erythrocytosis and are considered pathogenic (Santgergen 2014, HbVar and references therein). The c.294C>A; p.His98Gln variant is absent from the Genome Aggregation Database (v2.1.1), indicating it is not a common polymorphism. Computational analyses predict that this variant is deleterious (REVEL 0.873), and functional analysis of the variant protein suggests increased oxygen affinity (Boyer 1972, Santbergen 2014), consistent with other erythrocytosis-associated HBB variants (Percy 2009). Based on available information, the Hb Malmo variant is considered to be pathogenic. References: Link to HbVar database: Boyer SH et al. Hemoglobin MalmÃ¶ Beta-97 (FG-4) histidine--glutamine: a cause of polycythemia. J Clin Invest. 1972 Mar;51(3):666-76. PMID: 5011106. Landin B et al. Two different mutations in codon 97 of the beta-globin gene cause Hb Malmo in Sweden. Am J Hematol. 1996 Jan;51(1):32-6. PMID: 8571935. Percy MJ et al. Identification of high oxygen affinity hemoglobin variants in the investigation of patients with erythrocytosis. Haematologica. 2009 Sep;94(9):1321-2. PMID: 19734427. Santbergen B and van der Heul C. At high altitude in the Netherlands: secondary erythrocytosis due to HB-MalmÃ¶. BMJ Case Rep. 2014 Mar 5;2014:bcr2014203701. PMID: 24599433.

NM_000518.5(HBB):c.294C>A (p.His98Gln)

Genes: HBB (hemoglobin subunit beta; minus strand), LOC106099062 (HBB recombination region; plus strand), LOC107133510 (origin of replication at HBB; plus strand). Cytogenetic location: 11p15.4.
Variant type: single nucleotide variant.
Coding change: c.294C>A on transcript NM_000518.5 (MANE Select); coding-DNA position 294, C replaced by A.
Protein change: p.His98Gln; replaces histidine 98 with glutamine.
Molecular consequence: missense variant.
Genome position (GRCh38, 1-based): chr11:5,226,598, G>T on the plus strand (C>A on the coding strand, the complement: HBB is on the minus strand). VCF-style: chr11-5226598-G-T. GRCh37 (hg19) VCF-style: chr11-5247828-G-T.
Other names: short protein forms H98Q.
Identifiers: ClinVar variation 3766487 (VCV003766487.1).
Genomic context (GRCh38, chr11:5,226,598, plus strand): 5'-AGAAGGGGAAAGAAAACATCAAGCGTCCCATAGACTCACCCTGAAGTTCTCAGGATCCAC[G>T]TGCAGCTTGTCACAGTGCAGCTCACTCAGTGTGGCAAAGGTGCCCTTGAGGTTGTCCAGG-3'
Protein context (NP_000509.1, residues 88-108): TLSELHCDKL[His98Gln]VDPENFRLLG